The following is an entry in ClinVar:

ClinVar aggregate classification (germline): Benign (1 of 4 stars; one submission).

Allele frequency attached by ClinVar (database versions not stated): 1000 Genomes Project 30x 0.00406; 1000 Genomes Project 0.00439; TOPMed 0.00687; gnomAD 0.00899; gnomAD exomes 0.00913.
gnomAD v4.1: 12,946 of 1,413,208 alleles (0.92%); highest among the groups gnomAD compares: Non-Finnish European, 0.93%; 105 homozygotes.

Submission:

CeGaT Center for Human Genetics Tuebingen
Classification: Benign. Last evaluated: 2025-11-01. Review status: criteria provided, single submitter. Criteria: CeGaT Center For Human Genetics Tuebingen Variant Classification Criteria Version 2. Collection method: clinical testing. Allele origin: germline. Affected: yes. Observed: 2 variant alleles.
Comment: MYC: BP4, BS1, BS2

NM_002467.6(MYC):c.-96C>T

Gene: MYC (MYC proto-oncogene, bHLH transcription factor; plus strand). Cytogenetic location: 8q24.21.
Variant type: single nucleotide variant.
Coding change: c.-96C>T on transcript NM_002467.6 (MANE Select); 96 bases upstream of the start codon, C replaced by T.
Molecular consequence: 5 prime UTR variant.
Genome position (GRCh38, 1-based): chr8:127,736,498, C>T. VCF-style: chr8-127736498-C-T. GRCh37 (hg19) VCF-style: chr8-128748744-C-T.
Other names: c.-96C>T (NM_001354870.1).
Identifiers: ClinVar variation 2658811 (VCV002658811.24), dbSNP rs4645949, ClinGen allele CA12775743.